The following is an entry in ClinVar:

ClinVar aggregate classification (germline): Conflicting classifications of pathogenicity. Review status: criteria provided, conflicting classifications (1 of 4 stars). 4 submissions from 4 submitters: Uncertain significance (3); Likely benign (1). Last evaluated 2025-03-10.

Conditions:
Hereditary breast ovarian cancer syndrome. Also called: Hereditary breast and ovarian cancer; Hereditary breast and ovarian cancer syndrome (HBOC); Breast and ovarian cancer; Hereditary breast and ovarian cancer syndrome; BRCA1- and BRCA2-Associated Hereditary Breast and Ovarian Cancer; Hereditary breast and/or ovarian cancer syndrome. Identifiers: Orphanet 145, MedGen C0677776, MeSH D061325, MONDO:0003582. Disease mechanism: loss of function.
Hereditary cancer-predisposing syndrome. Also called: Tumor predisposition; Neoplastic Syndromes, Hereditary; Hereditary neoplastic syndrome; Hereditary Cancer Syndrome. Identifiers: Orphanet 140162, MedGen C0027672, MeSH D009386, MONDO:0015356.

Submissions (4):

Ambry Genetics
Classification: Uncertain significance for Hereditary cancer-predisposing syndrome. Last evaluated: 2025-03-10. Review status: criteria provided, single submitter. Criteria: Ambry Variant Classification Scheme 2023. Collection method: clinical testing. Allele origin: germline.
Comment: The p.F1127L variant (also known as c.3379T>C), located in coding exon 10 of the BRCA2 gene, results from a T to C substitution at nucleotide position 3379. The phenylalanine at codon 1127 is replaced by leucine, an amino acid with highly similar properties. This amino acid position is highly conserved in available vertebrate species. In addition, the in silico prediction for this alteration is inconclusive. Based on the available evidence, the clinical significance of this variant remains unclear.

Color Diagnostics, LLC DBA Color Health
Classification: Uncertain significance for Hereditary cancer-predisposing syndrome. Last evaluated: 2024-08-20. Review status: criteria provided, single submitter. Criteria: ACMG Guidelines, 2015. Collection method: clinical testing. Allele origin: germline.
Comment: This missense variant replaces phenylalanine with leucine at codon 1127 of the BRCA2 protein. Computational prediction suggests that this variant may not impact protein structure and function. To our knowledge, functional studies have not been reported for this variant. This variant has not been reported in individuals affected with hereditary cancer in the literature. This variant has not been identified in the general population by the Genome Aggregation Database (gnomAD). The available evidence is insufficient to determine the role of this variant in disease conclusively. Therefore, this variant is classified as a Variant of Uncertain Significance.

Labcorp Genetics (formerly Invitae), Labcorp
Classification: Uncertain significance for Hereditary breast ovarian cancer syndrome. Last evaluated: 2024-07-06. Review status: criteria provided, single submitter. Criteria: Invitae Variant Classification Sherloc (09022015). Collection method: clinical testing. Allele origin: germline.
Comment: This sequence change replaces phenylalanine, which is neutral and non-polar, with leucine, which is neutral and non-polar, at codon 1127 of the BRCA2 protein (p.Phe1127Leu). This variant is not present in population databases (gnomAD no frequency). This variant has not been reported in the literature in individuals affected with BRCA2-related conditions. ClinVar contains an entry for this variant (Variation ID: 631082). Advanced modeling of protein sequence and biophysical properties (such as structural, functional, and spatial information, amino acid conservation, physicochemical variation, residue mobility, and thermodynamic stability) performed at Invitae indicates that this missense variant is not expected to disrupt BRCA2 protein function with a negative predictive value of 95%. In summary, the available evidence is currently insufficient to determine the role of this variant in disease. Therefore, it has been classified as a Variant of Uncertain Significance.

University of Washington Department of Laboratory Medicine, University of Washington
Classification: Likely benign for Hereditary cancer-predisposing syndrome. Last evaluated: 2023-03-23. Review status: criteria provided, single submitter. Criteria: Dines et al. (Genet Med. 2020). Collection method: curation. Allele origin: germline.
Comment: Missense variant in a coldspot region where missense variants are very unlikely to be pathogenic (PMID:31911673).

BRCA2 exon 11 coldspot. Reclassification based on statistical prior probability.

NM_000059.4(BRCA2):c.3379T>C (p.Phe1127Leu)

Gene: BRCA2 (BRCA2 DNA repair associated; plus strand). Cytogenetic location: 13q13.1.
Variant type: single nucleotide variant.
Coding change: c.3379T>C on transcript NM_000059.4 (MANE Select); coding-DNA position 3379, T replaced by C.
Protein change: p.Phe1127Leu; replaces phenylalanine 1127 with leucine.
Molecular consequence: missense variant.
Genome position (GRCh38, 1-based): chr13:32,337,734, T>C. VCF-style: chr13-32337734-T-C. GRCh37 (hg19) VCF-style: chr13-32911871-T-C.
Other names: short protein forms F1127L.
Identifiers: ClinVar variation 631082 (VCV000631082.18), dbSNP rs1566228395, ClinGen allele CA387776423.